The following is an entry in ClinVar:

ClinVar aggregate classification (germline): Benign. Review status: criteria provided, multiple submitters, no conflicts (2 of 4 stars). 4 submissions from 4 submitters: Benign (4). Last evaluated 2021-08-19.

Conditions:
White sponge nevus 2 (WSN2). Identifiers: MedGen C4014321, MONDO:0014346, OMIM 615785.

Allele frequency attached by ClinVar (database versions not stated): 1000 Genomes Project 0.70527; gnomAD 0.72743 and 0.71565; ESP Exome Variant Server 0.69514; TOPMed 0.70380; ExAC 0.85089; gnomAD exomes 0.86303 and 0.88530; 1000 Genomes Project 30x 0.69394.
gnomAD v4.1: 1,402,723 of 1,613,188 alleles (87%); highest among the groups gnomAD compares: South Asian, 90%; 624,114 homozygotes.

Submissions (4):

Genome-Nilou Lab
Classification: Benign for White sponge nevus 2. Last evaluated: 2021-08-19. Review status: criteria provided, single submitter. Criteria: ACMG Guidelines, 2015. Collection method: clinical testing. Allele origin: germline. Affected: no.

GeneDx
Classification: Benign. Last evaluated: 2018-11-12. Review status: criteria provided, single submitter. Criteria: GeneDx Variant Classification Process June 2021. Collection method: clinical testing. Allele origin: germline. Affected: yes.

Illumina Laboratory Services, Illumina
Classification: Benign for White sponge nevus 2. Last evaluated: 2018-01-13. Review status: criteria provided, single submitter. Criteria: ICSL Variant Classification Criteria 13 December 2019. Collection method: clinical testing. Allele origin: germline.
Comment: This variant was observed in the ICSL laboratory as part of a predisposition screen in an ostensibly healthy population. It had not been previously curated by ICSL or reported in the Human Gene Mutation Database (HGMD: prior to June 1st, 2018), and was therefore a candidate for classification through an automated scoring system. Utilizing variant allele frequency, disease prevalence and penetrance estimates, and inheritance mode, an automated score was calculated to assess if this variant is too frequent to cause the disease. Based on the score and internal cut-off values, a variant classified as benign is not then subjected to further curation. The score for this variant resulted in a classification of benign for this disease.

Breakthrough Genomics
Classification: Benign. Review status: criteria provided, single submitter. Criteria: ACMG Guidelines, 2015. Collection method: not provided. Allele origin: germline. Inheritance: Autosomal dominant inheritance. Affected: yes.

NM_153490.3(KRT13):c.560C>T (p.Ala187Val)

Gene: KRT13 (keratin 13; minus strand). Cytogenetic location: 17q21.2.
Variant type: single nucleotide variant.
Coding change: c.560C>T on transcript NM_153490.3 (MANE Select); coding-DNA position 560, C replaced by T.
Protein change: p.Ala187Val; replaces alanine 187 with valine.
Molecular consequence: missense variant.
Genome position (GRCh38, 1-based): chr17:41,503,661, G>A on the plus strand (C>T on the coding strand, the complement: KRT13 is on the minus strand). VCF-style: chr17-41503661-G-A. GRCh37 (hg19) VCF-style: chr17-39659913-G-A.
Other names: c.560C>T, p.Ala187Val (NM_002274.4); short protein forms A187V.
Identifiers: ClinVar variation 323096 (VCV000323096.10), dbSNP rs9891361, ClinGen allele CA8560743.
Genomic context (GRCh38, chr17:41,503,661, plus strand): 5'-GACTCCTGGGAAAGGAGAGGGAGGGGGAAAAAAAAAACTCACTTGAGCCTGAAGTCGTCC[G>A]CAGCCAGCCTGGCATTGTCAATCTCCAGGATGACCCGGTTGTTTTCAATGGTGGCGGTCA-3'
Protein context (NP_705694.3, residues 177-197): ILEIDNARLA[Ala187Val]DDFRLKYENE